The following is an entry in ClinVar:

NM_006767.4(LZTR1):c.289C>T (p.Arg97Trp)

Gene: LZTR1 (leucine zipper like post translational regulator 1; plus strand). Cytogenetic location: 22q11.21.
Variant type: single nucleotide variant.
Coding change: c.289C>T on transcript NM_006767.4 (MANE Select); coding-DNA position 289, C replaced by T.
Protein change: p.Arg97Trp; replaces arginine 97 with tryptophan.
Molecular consequence: missense variant.
Genome position (GRCh38, 1-based): chr22:20,985,866, C>T. VCF-style: chr22-20985866-C-T. GRCh37 (hg19) VCF-style: chr22-21340155-C-T.
Other names: short protein forms R97W.
Identifiers: ClinVar variation 1797387 (VCV001797387.8), dbSNP rs763127267, ClinGen allele CA10118348.

ClinVar aggregate classification (germline): Uncertain significance. Review status: criteria provided, multiple submitters, no conflicts (2 of 4 stars). 3 submissions from 3 submitters: Uncertain significance (3). Last evaluated 2025-12-17.

Conditions:
LZTR1-related schwannomatosis. Also called: Schwannomatosis 2; Schwannomatosis-2, susceptibility to. Identifiers: Orphanet 93921, MedGen C3810283, MONDO:0014299, OMIM 615670.
Noonan syndrome 2 (NS2). Identifiers: Orphanet 648, MedGen C1854469, MONDO:0011531, OMIM 605275.
Noonan syndrome 10 (NS10). Identifiers: Orphanet 648, MedGen C4225280, MONDO:0014693, OMIM 616564.
Hereditary cancer-predisposing syndrome. Also called: Hereditary neoplastic syndrome; Neoplastic Syndromes, Hereditary; Tumor predisposition; Hereditary Cancer Syndrome. Identifiers: Orphanet 140162, MedGen C0027672, MeSH D009386, MONDO:0015356.
Cardiovascular phenotype. Identifiers: MedGen CN230736.

Allele frequency attached by ClinVar (database versions not stated): ExAC 0.00001; TOPMed 0.00001.
gnomAD v4.1: 2 of 1,614,154 alleles (0.00012%); highest among the groups gnomAD compares: South Asian, 0.0011%; no homozygotes.

Submissions (3):

Labcorp Genetics (formerly Invitae), Labcorp
Classification: Uncertain significance. Last evaluated: 2025-12-17. Review status: criteria provided, single submitter. Criteria: Invitae Variant Classification Sherloc (09022015). Collection method: clinical testing. Allele origin: germline.
Comment: This sequence change replaces arginine, which is basic and polar, with tryptophan, which is neutral and slightly polar, at codon 97 of the LZTR1 protein (p.Arg97Trp). This variant is present in population databases (rs763127267, gnomAD 0.003%). This missense change has been observed in individual(s) with Noonan syndrome (PMID: 39484914). ClinVar contains an entry for this variant (Variation ID: 1797387). Invitae Evidence Modeling of protein sequence and biophysical properties (such as structural, functional, and spatial information, amino acid conservation, physicochemical variation, residue mobility, and thermodynamic stability) indicates that this missense variant is not expected to disrupt LZTR1 protein function with a negative predictive value of 80%. This variant disrupts the p.Arg97 amino acid residue in LZTR1. Other variant(s) that disrupt this residue have been determined to be pathogenic (PMID: 30859559). This suggests that this residue is clinically significant, and that variants that disrupt this residue are likely to be disease-causing. In summary, the available evidence is currently insufficient to determine the role of this variant in disease. Therefore, it has been classified as a Variant of Uncertain Significance.

Ambry Genetics
Classification: Uncertain significance for Cardiovascular phenotype; Hereditary cancer-predisposing syndrome. Last evaluated: 2025-05-21. Review status: criteria provided, single submitter. Criteria: Ambry Variant Classification Scheme 2023. Collection method: clinical testing. Allele origin: germline.
Comment: The p.R97W variant (also known as c.289C>T), located in coding exon 3 of the LZTR1 gene, results from a C to T substitution at nucleotide position 289. The arginine at codon 97 is replaced by tryptophan, an amino acid with dissimilar properties. This amino acid position is highly conserved in available vertebrate species. In addition, this alteration is predicted to be deleterious by in silico analysis. Based on the available evidence, the clinical significance of this variant remains unclear.

Juno Genomics, Hangzhou Juno Genomics, Inc
Classification: Uncertain significance for LZTR1-related schwannomatosis; Noonan syndrome 10; Noonan syndrome 2. Review status: criteria provided, single submitter. Criteria: ACMG Guidelines, 2015. Collection method: clinical testing. Allele origin: germline.
Comment: Absent from controls (or at extremely low frequency if recessive) in Genome Aggregation Database.

Literature cited by the submitters: PubMed 39484914 (cited by Labcorp Genetics (formerly Invitae), Labcorp); PubMed 30859559 (cited by Labcorp Genetics (formerly Invitae), Labcorp); PubMed 29409008 (cited by Ambry Genetics); PubMed 33879870 (cited by Ambry Genetics).